The following is an entry in ClinVar:

NM_000548.5(TSC2):c.1600-310C>T

Gene: TSC2 (TSC complex subunit 2; plus strand). Cytogenetic location: 16p13.3.
Variant type: single nucleotide variant.
Coding change: c.1600-310C>T on transcript NM_000548.5 (MANE Select); 310 bases into the intron before coding-DNA position 1600, C replaced by T.
Molecular consequence: intron variant.
Genome position (GRCh38, 1-based): chr16:2,065,209, C>T. VCF-style: chr16-2065209-C-T. GRCh37 (hg19) VCF-style: chr16-2115210-C-T.
Other names: c.1600-310C>T (NM_001114382.3, NM_021055.3, NM_001370405.1 and 3 more transcripts); c.1489-310C>T (NM_001318827.2); c.1000-310C>T (NM_001318831.2); c.1453-310C>T (NM_001318829.2); c.1633-310C>T (NM_001318832.2).
Identifiers: ClinVar variation 680979 (VCV000680979.1), dbSNP rs146267799, ClinGen allele CA276730705.

ClinVar aggregate classification (germline): Benign (1 of 4 stars; one submission).

Allele frequency attached by ClinVar (database versions not stated): gnomAD 0.02968 and 0.03173; TOPMed 0.03328; 1000 Genomes Project 0.03594; 1000 Genomes Project 30x 0.03795.
gnomAD v4.1: 5,207 of 341,720 alleles (1.5%); highest among the groups gnomAD compares: African/African-American, 10%; 265 homozygotes.

Submission:

GeneDx
Classification: Benign. Last evaluated: 2018-06-20. Review status: criteria provided, single submitter. Criteria: GeneDx Variant Classification (06012015). Collection method: clinical testing. Allele origin: germline. Affected: yes.
Comment: This variant is considered likely benign or benign based on one or more of the following criteria: it is a conservative change, it occurs at a poorly conserved position in the protein, it is predicted to be benign by multiple in silico algorithms, and/or has population frequency not consistent with disease.